The following is an entry in ClinVar:

ClinVar aggregate classification (germline): Benign. Review status: criteria provided, multiple submitters, no conflicts (2 of 4 stars). 3 submissions from 3 submitters: Benign (3). Last evaluated 2024-01-24.

Allele frequency attached by ClinVar (database versions not stated): 1000 Genomes Project 30x 0.14819; 1000 Genomes Project 0.14876; TOPMed 0.20558; ESP Exome Variant Server 0.21827; gnomAD 0.21934 and 0.22100.
gnomAD v4.1: 264,954 of 999,514 alleles (27%); highest among the groups gnomAD compares: Non-Finnish European, 30%; 38,134 homozygotes.

Submissions (3):

Unidad de Genómica Garrahan, Hospital de Pediatría Garrahan
Classification: Benign. Last evaluated: 2024-01-24. Review status: criteria provided, single submitter. Criteria: ACMG Guidelines, 2015. Collection method: clinical testing. Allele origin: germline. Affected: no. Observed: 35 variant alleles.
Comment: This variant is classified as Benign based on local population frequency. This variant was detected in 37% of patients studied by a panel of primary immunodeficiencies. Number of patients: 35. Only high quality variants are reported.

GeneDx
Classification: Benign. Last evaluated: 2018-08-10. Review status: criteria provided, single submitter. Criteria: GeneDx Variant Classification Process June 2021. Collection method: clinical testing. Allele origin: germline. Affected: yes.

Breakthrough Genomics
Classification: Benign. Review status: criteria provided, single submitter. Criteria: ACMG Guidelines, 2015. Collection method: not provided. Allele origin: germline. Inheritance: Autosomal dominant inheritance. Affected: yes.

NM_013254.4(TBK1):c.1443-60C>A

Gene: TBK1 (TANK binding kinase 1; plus strand). Cytogenetic location: 12q14.2.
Variant type: single nucleotide variant.
Coding change: c.1443-60C>A on transcript NM_013254.4 (MANE Select); 60 bases into the intron before coding-DNA position 1443, C replaced by A.
Molecular consequence: intron variant.
Genome position (GRCh38, 1-based): chr12:64,489,981, C>A. VCF-style: chr12-64489981-C-A. GRCh37 (hg19) VCF-style: chr12-64883761-C-A.
Identifiers: ClinVar variation 1241530 (VCV001241530.5), dbSNP rs10878177, ClinGen allele CA15733604.